The following is an entry in ClinVar:

ClinVar aggregate classification (germline): Uncertain significance (1 of 4 stars; one submission).

Conditions:
Landau-Kleffner syndrome (FESD). Also called: EPILEPSY, FOCAL, WITH SPEECH DISORDER AND WITH OR WITHOUT MENTAL RETARDATION; APHASIA, ACQUIRED, WITH EPILEPSY. Identifiers: Orphanet 1945, Orphanet 725, Orphanet 98818, MedGen C0282512, MONDO:0009509, OMIM 245570.

gnomAD v4.1: 3 of 1,614,004 alleles (0.00019%); highest among the groups gnomAD compares: Non-Finnish European, 0.00025%; no homozygotes.

Submission:

Labcorp Genetics (formerly Invitae), Labcorp
Classification: Uncertain significance for Landau-Kleffner syndrome. Last evaluated: 2023-02-13. Review status: criteria provided, single submitter. Criteria: Invitae Variant Classification Sherloc (09022015). Collection method: clinical testing. Allele origin: germline.
Comment: This sequence change replaces glutamic acid, which is acidic and polar, with aspartic acid, which is acidic and polar, at codon 990 of the GRIN2A protein (p.Glu990Asp). This variant is not present in population databases (gnomAD no frequency). This variant has not been reported in the literature in individuals affected with GRIN2A-related conditions. Advanced modeling of protein sequence and biophysical properties (such as structural, functional, and spatial information, amino acid conservation, physicochemical variation, residue mobility, and thermodynamic stability) performed at Invitae indicates that this missense variant is not expected to disrupt GRIN2A protein function. In summary, the available evidence is currently insufficient to determine the role of this variant in disease. Therefore, it has been classified as a Variant of Uncertain Significance.

NM_001134407.3(GRIN2A):c.2970G>C (p.Glu990Asp)

Gene: GRIN2A (glutamate ionotropic receptor NMDA type subunit 2A; minus strand). Cytogenetic location: 16p13.2.
Variant type: single nucleotide variant.
Coding change: c.2970G>C on transcript NM_001134407.3 (MANE Select); coding-DNA position 2970, G replaced by C.
Protein change: p.Glu990Asp; replaces glutamic acid 990 with aspartic acid.
Molecular consequence: missense variant.
Genome position (GRCh38, 1-based): chr16:9,764,574, C>G on the plus strand (G>C on the coding strand, the complement: GRIN2A is on the minus strand). VCF-style: chr16-9764574-C-G. GRCh37 (hg19) VCF-style: chr16-9858431-C-G.
Other names: c.2970G>C, p.Glu990Asp (NM_000833.5, NM_001134408.2); short protein forms E990D.
Identifiers: ClinVar variation 2836772 (VCV002836772.3), dbSNP rs1300708683, ClinGen allele CA394708950.